The following is an entry in ClinVar:

NM_000535.7(PMS2):c.2137C>A (p.Gln713Lys)

Gene: PMS2 (PMS1 homolog 2, mismatch repair system component; minus strand). Cytogenetic location: 7p22.1.
Variant type: single nucleotide variant.
Coding change: c.2137C>A on transcript NM_000535.7 (MANE Select); coding-DNA position 2137, C replaced by A.
Protein change: p.Gln713Lys; replaces glutamine 713 with lysine.
Molecular consequence: missense variant. On other transcripts: non-coding transcript variant (1).
Genome position (GRCh38, 1-based): chr7:5,982,861, G>T on the plus strand (C>A on the coding strand, the complement: PMS2 is on the minus strand). VCF-style: chr7-5982861-G-T. GRCh37 (hg19) VCF-style: chr7-6022492-G-T.
Other names: c.2137C>A (NM_000535.6); c.1732C>A, p.Gln578Lys (NM_001322003.2, NM_001322004.2, NM_001322005.2 and 1 more transcripts); c.1981C>A, p.Gln661Lys (NM_001322006.2); c.1819C>A, p.Gln607Lys (NM_001322007.2, NM_001322008.2); c.1576C>A, p.Gln526Lys (NM_001322010.2); c.1204C>A, p.Gln402Lys (NM_001322011.2, NM_001322012.2); c.1564C>A, p.Gln522Lys (NM_001322013.2); c.2137C>A, p.Gln713Lys (NM_001322014.2); and 1 more; short protein forms Q522K, Q526K, Q578K, Q607K, Q610K, Q661K, Q402K, Q713K.
Identifiers: ClinVar variation 1505678 (VCV001505678.12), dbSNP rs876659900, ClinGen allele CA366737912.
Genomic context (GRCh38, chr7:5,982,861, plus strand): 5'-GAATGAACACTAAACACACTCACGCTATGAGCCTCTGCCCCTGGAGCACGGTGTGCTGCT[G>T]CAGCATCTCGAAGTTATACTTCTCGTCCGTGGCATGCTGGTCCACTATGAAGATATCCTC-3'
Protein context (NP_000526.2, residues 703-723): TDEKYNFEML[Gln713Lys]QHTVLQGQRL

ClinVar aggregate classification (germline): Uncertain significance. Review status: criteria provided, multiple submitters, no conflicts (2 of 4 stars). 3 submissions from 3 submitters: Uncertain significance (3). Last evaluated 2025-07-16.

Conditions:
Hereditary nonpolyposis colorectal neoplasms. Identifiers: MedGen C0009405, MeSH D003123.
Hereditary cancer-predisposing syndrome. Also called: Hereditary neoplastic syndrome; Tumor predisposition; Neoplastic Syndromes, Hereditary; Hereditary Cancer Syndrome. Identifiers: Orphanet 140162, MedGen C0027672, MeSH D009386, MONDO:0015356.

Submissions (3):

Ambry Genetics
Classification: Uncertain significance for Hereditary cancer-predisposing syndrome. Last evaluated: 2025-07-16. Review status: criteria provided, single submitter. Criteria: Ambry Variant Classification Scheme 2023. Collection method: clinical testing. Allele origin: germline.
Comment: The p.Q713K variant (also known as c.2137C>A), located in coding exon 12 of the PMS2 gene, results from a C to A substitution at nucleotide position 2137. The glutamine at codon 713 is replaced by lysine, an amino acid with similar properties. This amino acid position is highly conserved in available vertebrate species. In addition, the in silico prediction for this alteration is inconclusive. Based on the available evidence, the clinical significance of this variant remains unclear.

Labcorp Genetics (formerly Invitae), Labcorp
Classification: Uncertain significance for Hereditary nonpolyposis colorectal neoplasms. Last evaluated: 2025-02-12. Review status: criteria provided, single submitter. Criteria: Invitae Variant Classification Sherloc (09022015). Collection method: clinical testing. Allele origin: germline.
Comment: This sequence change replaces glutamine, which is neutral and polar, with lysine, which is basic and polar, at codon 713 of the PMS2 protein (p.Gln713Lys). The frequency data for this variant in the population databases (gnomAD) is considered unreliable due to the presence of homologous sequence, such as pseudogenes or paralogs, in the genome. This variant has not been reported in the literature in individuals affected with PMS2-related conditions. ClinVar contains an entry for this variant (Variation ID: 1505678). Invitae Evidence Modeling incorporating data from in vitro experimental studies (internal data) indicates that this missense variant is not expected to disrupt PMS2 function with a negative predictive value of 95%. In summary, the available evidence is currently insufficient to determine the role of this variant in disease. Therefore, it has been classified as a Variant of Uncertain Significance.

Quest Diagnostics Nichols Institute San Juan Capistrano
Classification: Uncertain significance. Last evaluated: 2025-01-29. Review status: criteria provided, single submitter. Criteria: Quest Diagnostics criteria. Collection method: clinical testing. Allele origin: unknown.
Comment: The PMS2 c.2137C>A (p.Gln713Lys) variant has not been reported in individuals with PMS2-related conditions in the published literature. It also has not been reported in large, multi-ethnic general populations (Genome Aggregation Database). Analysis of this variant using bioinformatics tools for the prediction of the effect of amino acid changes on protein structure and function yielded predictions that this variant is damaging. Based on the available information, we are unable to determine the clinical significance of this variant.